The following is an entry in ClinVar:

ClinVar aggregate classification (germline): Benign/Likely benign. Review status: criteria provided, multiple submitters, no conflicts (2 of 4 stars). 3 submissions from 3 submitters: Benign (1); Likely benign (2). Last evaluated 2025-04-30.

Conditions:
Hereditary cancer-predisposing syndrome. Also called: Hereditary neoplastic syndrome; Neoplastic Syndromes, Hereditary; Tumor predisposition; Hereditary Cancer Syndrome. Identifiers: Orphanet 140162, MedGen C0027672, MeSH D009386, MONDO:0015356.
Tuberous sclerosis 1 (TSC1). Identifiers: Orphanet 805, MedGen C1854465, MONDO:0008612, OMIM 191100.

gnomAD v4.1: 1 of 1,614,180 alleles (0.000062%); highest among the groups gnomAD compares: Non-Finnish European, 0.000085%; no homozygotes.

Submissions (3):

Myriad Genetics, Inc.
Classification: Benign for Tuberous sclerosis 1. Last evaluated: 2025-04-30. Review status: criteria provided, single submitter. Criteria: Myriad Autosomal Dominant, Autosomal Recessive and X-Linked Classification Criteria (2023). Collection method: clinical testing. Allele origin: unknown.
Comment: This variant is considered benign. This variant is a silent/synonymous amino acid change and it is not expected to impact splicing.

Labcorp Genetics (formerly Invitae), Labcorp
Classification: Likely benign for Tuberous sclerosis 1. Last evaluated: 2024-09-22. Review status: criteria provided, single submitter. Criteria: Invitae Variant Classification Sherloc (09022015). Collection method: clinical testing. Allele origin: germline.

Ambry Genetics
Classification: Likely benign for Hereditary cancer-predisposing syndrome. Last evaluated: 2023-04-28. Review status: criteria provided, single submitter. Criteria: Ambry Variant Classification Scheme 2023. Collection method: clinical testing. Allele origin: germline.

NM_000368.5(TSC1):c.3396C>G (p.Pro1132=)

Gene: TSC1 (TSC complex subunit 1; minus strand). Cytogenetic location: 9q34.13.
Variant type: single nucleotide variant.
Coding change: c.3396C>G on transcript NM_000368.5 (MANE Select); coding-DNA position 3396, C replaced by G.
Protein change: p.Pro1132=; no amino-acid change (proline 1132 retained).
Molecular consequence: synonymous variant.
Genome position (GRCh38, 1-based): chr9:132,896,334, G>C on the plus strand (C>G on the coding strand, the complement: TSC1 is on the minus strand). VCF-style: chr9-132896334-G-C. GRCh37 (hg19) VCF-style: chr9-135771721-G-C.
Other names: c.3393C>G, p.Pro1131= (NM_001162426.2); c.3243C>G, p.Pro1081= (NM_001162427.2); c.3033C>G, p.Pro1011= (NM_001362177.2).
Identifiers: ClinVar variation 466136 (VCV000466136.13), dbSNP rs774980129, ClinGen allele CA467812933.